The following is an entry in ClinVar:

ClinVar aggregate classification (germline): Uncertain significance (1 of 4 stars; one submission).

Allele frequency attached by ClinVar (database versions not stated): gnomAD 0.00001; TOPMed 0.00002; gnomAD exomes 0.00003.

Submission:

Labcorp Genetics (formerly Invitae), Labcorp
Classification: Uncertain significance. Last evaluated: 2025-01-26. Review status: criteria provided, single submitter. Criteria: Invitae Variant Classification Sherloc (09022015). Collection method: clinical testing. Allele origin: germline.
Comment: This sequence change replaces asparagine, which is neutral and polar, with serine, which is neutral and polar, at codon 615 of the TFRC protein (p.Asn615Ser). This variant is present in population databases (rs199502112, gnomAD 0.003%). This variant has not been reported in the literature in individuals affected with TFRC-related conditions. ClinVar contains an entry for this variant (Variation ID: 2196245). Invitae Evidence Modeling of protein sequence and biophysical properties (such as structural, functional, and spatial information, amino acid conservation, physicochemical variation, residue mobility, and thermodynamic stability) indicates that this missense variant is not expected to disrupt TFRC protein function with a negative predictive value of 80%. In summary, the available evidence is currently insufficient to determine the role of this variant in disease. Therefore, it has been classified as a Variant of Uncertain Significance.

NM_001128148.3(TFRC):c.1844A>G (p.Asn615Ser)

Gene: TFRC (transferrin receptor; minus strand). Cytogenetic location: 3q29.
Variant type: single nucleotide variant.
Coding change: c.1844A>G on transcript NM_001128148.3 (MANE Select); coding-DNA position 1844, A replaced by G.
Protein change: p.Asn615Ser; replaces asparagine 615 with serine.
Molecular consequence: missense variant.
Genome position (GRCh38, 1-based): chr3:196,055,135, T>C on the plus strand (A>G on the coding strand, the complement: TFRC is on the minus strand). VCF-style: chr3-196055135-T-C. GRCh37 (hg19) VCF-style: chr3-195782006-T-C.
Other names: c.1601A>G, p.Asn534Ser (NM_001313965.2); c.998A>G, p.Asn333Ser (NM_001313966.2); c.1844A>G, p.Asn615Ser (NM_003234.4); short protein forms N333S, N534S, N615S.
Identifiers: ClinVar variation 2196245 (VCV002196245.4), dbSNP rs199502112, ClinGen allele CA90743066.